The following is an entry in ClinVar:

NM_003079.5(SMARCE1):c.182A>C (p.Lys61Thr)

Gene: SMARCE1 (SWI/SNF related BAF chromatin remodeling complex subunit E1; minus strand). Cytogenetic location: 17q21.2.
Variant type: single nucleotide variant.
Coding change: c.182A>C on transcript NM_003079.5 (MANE Select); coding-DNA position 182, A replaced by C.
Protein change: p.Lys61Thr; replaces lysine 61 with threonine.
Molecular consequence: missense variant.
Genome position (GRCh38, 1-based): chr17:40,637,547, T>G on the plus strand (A>C on the coding strand, the complement: SMARCE1 is on the minus strand). VCF-style: chr17-40637547-T-G. GRCh37 (hg19) VCF-style: chr17-38793799-T-G.
Other names: short protein forms K61T.
Identifiers: ClinVar variation 3958597 (VCV003958597.1).
Genomic context (GRCh38, chr17:40,637,547, plus strand): 5'-CCTACCTTTCTGCTGTACCTCATGTAGGGCATCAGCGGCTTATCTGGTGGCTTTGGGGGT[T>G]TTGGAATCGTGATACCAGAGGATGCCTACGAAAGAGTTAAATACATTCATTATTCAACTG-3'
Protein context (NP_003070.3, residues 51-71): VTASSGITIP[Lys61Thr]PPKPPDKPLM

ClinVar aggregate classification (germline): Uncertain significance (1 of 4 stars; one submission).

Conditions:
Hereditary cancer-predisposing syndrome. Also called: Tumor predisposition; Hereditary neoplastic syndrome; Hereditary Cancer Syndrome; Neoplastic Syndromes, Hereditary. Identifiers: Orphanet 140162, MedGen C0027672, MeSH D009386, MONDO:0015356.

Submission:

Ambry Genetics
Classification: Uncertain significance for Hereditary cancer-predisposing syndrome. Last evaluated: 2025-04-18. Review status: criteria provided, single submitter. Criteria: Ambry Variant Classification Scheme 2023. Collection method: clinical testing. Allele origin: germline.
Comment: The p.K61T variant (also known as c.182A>C), located in coding exon 4 of the SMARCE1 gene, results from an A to C substitution at nucleotide position 182. The lysine at codon 61 is replaced by threonine, an amino acid with similar properties. This amino acid position is conserved. In addition, this alteration is predicted to be deleterious by in silico analysis. Based on the available evidence, the clinical significance of this variant remains unclear.